The following is an entry in ClinVar:

NM_145167.3(PIGM):c.613C>A (p.Arg205Ser)

Gene: PIGM (phosphatidylinositol glycan anchor biosynthesis class M; minus strand). Cytogenetic location: 1q23.2.
Variant type: single nucleotide variant.
Coding change: c.613C>A on transcript NM_145167.3 (MANE Select); coding-DNA position 613, C replaced by A.
Protein change: p.Arg205Ser; replaces arginine 205 with serine.
Molecular consequence: missense variant.
Genome position (GRCh38, 1-based): chr1:160,031,127, G>T on the plus strand (C>A on the coding strand, the complement: PIGM is on the minus strand). VCF-style: chr1-160031127-G-T. GRCh37 (hg19) VCF-style: chr1-160000917-G-T.
Other names: short protein forms R205S.
Identifiers: ClinVar variation 2730323 (VCV002730323.3), dbSNP rs376519579, ClinGen allele CA343241427.

ClinVar aggregate classification (germline): Uncertain significance (1 of 4 stars; one submission).

Conditions:
Hypercoagulability syndrome due to glycosylphosphatidylinositol deficiency (GPIBD1). Also called: GLYCOSYLPHOSPHATIDYLINOSITOL BIOSYNTHESIS DEFECT 1. Identifiers: Orphanet 83639, MedGen C5201145, MONDO:0012465, OMIM 610293.

Submission:

Labcorp Genetics (formerly Invitae), Labcorp
Classification: Uncertain significance for Hypercoagulability syndrome due to glycosylphosphatidylinositol deficiency. Last evaluated: 2023-03-23. Review status: criteria provided, single submitter. Criteria: Invitae Variant Classification Sherloc (09022015). Collection method: clinical testing. Allele origin: germline.
Comment: In summary, the available evidence is currently insufficient to determine the role of this variant in disease. Therefore, it has been classified as a Variant of Uncertain Significance. An algorithm developed to predict the effect of missense changes on protein structure and function (PolyPhen-2) suggests that this variant is likely to be tolerated. This variant has not been reported in the literature in individuals affected with PIGM-related conditions. This variant is not present in population databases (gnomAD no frequency). This sequence change replaces arginine, which is basic and polar, with serine, which is neutral and polar, at codon 205 of the PIGM protein (p.Arg205Ser).